The following is an entry in ClinVar:

ClinVar aggregate classification (germline): Uncertain significance (1 of 4 stars; one submission).

Conditions:
RASopathy. Also called: Noonan spectrum disorder; rasopathies. Identifiers: Orphanet 536391, MedGen C5555857, MONDO:0021060.

Allele frequency attached by ClinVar (database versions not stated): gnomAD 0.00001.
gnomAD v4.1: 1 of 1,614,080 alleles (0.000062%); highest among the groups gnomAD compares: Non-Finnish European, 0.000085%; no homozygotes.

Submission:

Labcorp Genetics (formerly Invitae), Labcorp
Classification: Uncertain significance for RASopathy. Last evaluated: 2022-05-11. Review status: criteria provided, single submitter. Criteria: Invitae Variant Classification Sherloc (09022015). Collection method: clinical testing. Allele origin: germline.
Comment: In summary, the available evidence is currently insufficient to determine the role of this variant in disease. Therefore, it has been classified as a Variant of Uncertain Significance. Advanced modeling of protein sequence and biophysical properties (such as structural, functional, and spatial information, amino acid conservation, physicochemical variation, residue mobility, and thermodynamic stability) performed at Invitae indicates that this missense variant is not expected to disrupt CBL protein function. This variant has not been reported in the literature in individuals affected with CBL-related conditions. This variant is not present in population databases (gnomAD no frequency). This sequence change replaces valine, which is neutral and non-polar, with alanine, which is neutral and non-polar, at codon 896 of the CBL protein (p.Val896Ala).

NM_005188.4(CBL):c.2687T>C (p.Val896Ala)

Gene: CBL (Cbl proto-oncogene; plus strand). Cytogenetic location: 11q23.3.
Variant type: single nucleotide variant.
Coding change: c.2687T>C on transcript NM_005188.4 (MANE Select); coding-DNA position 2687, T replaced by C.
Protein change: p.Val896Ala; replaces valine 896 with alanine.
Molecular consequence: missense variant.
Genome position (GRCh38, 1-based): chr11:119,299,747, T>C. VCF-style: chr11-119299747-T-C. GRCh37 (hg19) VCF-style: chr11-119170457-T-C.
Other names: short protein forms V896A.
Identifiers: ClinVar variation 1992960 (VCV001992960.4), dbSNP rs1950088435, ClinGen allele CA382934178.